The following is an entry in ClinVar:

ClinVar aggregate classification (germline): Likely benign. Review status: criteria provided, multiple submitters, no conflicts (2 of 4 stars). 2 submissions from 2 submitters: Likely benign (2). Last evaluated 2022-08-10.

Conditions:
Bethlem myopathy 1A. Also called: Bethlem myopathy 1; Bethlem Muscular Dystrophy; MYOPATHY, BENIGN CONGENITAL, WITH CONTRACTURES. Identifiers: Orphanet 610, MedGen CN029274, MONDO:0024530, OMIM 158810.

gnomAD v4.1: 2 of 1,607,662 alleles (0.00012%); highest among the groups gnomAD compares: Non-Finnish European, 0.000085%; no homozygotes.

Submissions (2):

Labcorp Genetics (formerly Invitae), Labcorp
Classification: Likely benign for Bethlem myopathy 1A. Last evaluated: 2022-08-10. Review status: criteria provided, single submitter. Criteria: Invitae Variant Classification Sherloc (09022015). Collection method: clinical testing. Allele origin: germline.

CeGaT Center for Human Genetics Tuebingen
Classification: Likely benign. Last evaluated: 2022-08-01. Review status: criteria provided, single submitter. Criteria: CeGaT Center For Human Genetics Tuebingen Variant Classification Criteria Version 2. Collection method: clinical testing. Allele origin: germline. Affected: yes. Observed: 1 variant allele.
Comment: COL6A2: BP4, BP7

NM_001849.4(COL6A2):c.2925C>G (p.Ala975=)

Gene: COL6A2 (collagen type VI alpha 2 chain; plus strand). Cytogenetic location: 21q22.3.
Variant type: single nucleotide variant.
Coding change: c.2925C>G on transcript NM_001849.4 (MANE Select); coding-DNA position 2925, C replaced by G.
Protein change: p.Ala975=; no amino-acid change (alanine 975 retained).
Molecular consequence: synonymous variant.
Genome position (GRCh38, 1-based): chr21:46,132,417, C>G. VCF-style: chr21-46132417-C-G. GRCh37 (hg19) VCF-style: chr21-47552331-C-G.
Identifiers: ClinVar variation 1138644 (VCV001138644.33), dbSNP rs2078774154, ClinGen allele CA513171095.
Genomic context (GRCh38, chr21:46,132,417, plus strand): 5'-CAGTCTGCACGAGTCGGCGCACTCCATGCGCAAGCAGAACGTGGTACCCACCGTGCTGGC[C>G]TTGGGCAGCGACGTGGACATGGACGTGCTCACCACGCTCAGCCTGGGTGACCGCGCCGCC-3'
Protein context (NP_001840.3, residues 965-985): RKQNVVPTVL[Ala975=]LGSDVDMDVL